The following is an entry in ClinVar:

ClinVar aggregate classification (germline): Uncertain significance (1 of 4 stars; one submission).

Submission:

Greenwood Genetic Center Diagnostic Laboratories, Greenwood Genetic Center
Classification: Uncertain significance. Last evaluated: 2024-01-17. Review status: criteria provided, single submitter. Criteria: ACMG Guidelines, 2015. Collection method: clinical testing. Allele origin: germline. Affected: yes.
Comment: Gene of Uncertain Significance

NM_020774.4(MIB1):c.1922T>G (p.Leu641Arg)

Gene: MIB1 (MIB E3 ubiquitin protein ligase 1; plus strand). Cytogenetic location: 18q11.2.
Variant type: single nucleotide variant.
Coding change: c.1922T>G on transcript NM_020774.4 (MANE Select); coding-DNA position 1922, T replaced by G.
Protein change: p.Leu641Arg; replaces leucine 641 with arginine.
Molecular consequence: missense variant.
Genome position (GRCh38, 1-based): chr18:21,838,457, T>G. VCF-style: chr18-21838457-T-G. GRCh37 (hg19) VCF-style: chr18-19418418-T-G.
Other names: short protein forms L641R.
Identifiers: ClinVar variation 3235838 (VCV003235838.1), dbSNP rs2510758993, ClinGen allele CA401761348.